The following is an entry in ClinVar:

ClinVar aggregate classification (germline): Uncertain significance. Review status: criteria provided, multiple submitters, no conflicts (2 of 4 stars). 2 submissions from 2 submitters: Uncertain significance (2). Last evaluated 2025-04-13.

Allele frequency attached by ClinVar (database versions not stated): gnomAD exomes below 0.00001; ExAC 0.00001; gnomAD 0.00001.
gnomAD v4.1: 3 of 1,613,926 alleles (0.00019%); highest among the groups gnomAD compares: Non-Finnish European, 0.00025%; no homozygotes.

Submissions (2):

Ambry Genetics
Classification: Uncertain significance. Last evaluated: 2025-04-13. Review status: criteria provided, single submitter. Criteria: Ambry Variant Classification Scheme 2023. Collection method: clinical testing. Allele origin: germline.

Labcorp Genetics (formerly Invitae), Labcorp
Classification: Uncertain significance. Last evaluated: 2022-03-31. Review status: criteria provided, single submitter. Criteria: Invitae Variant Classification Sherloc (09022015). Collection method: clinical testing. Allele origin: germline.
Comment: In summary, the available evidence is currently insufficient to determine the role of this variant in disease. Therefore, it has been classified as a Variant of Uncertain Significance. Algorithms developed to predict the effect of missense changes on protein structure and function are either unavailable or do not agree on the potential impact of this missense change (SIFT: "Deleterious"; PolyPhen-2: "Benign"; Align-GVGD: "Class C0"). This variant has not been reported in the literature in individuals affected with TET2-related conditions. This variant is present in population databases (rs751983181, gnomAD 0.003%). This sequence change replaces serine, which is neutral and polar, with phenylalanine, which is neutral and non-polar, at codon 261 of the TET2 protein (p.Ser261Phe).

NM_001127208.3(TET2):c.782C>T (p.Ser261Phe)

Genes: TET2 (tet methylcytosine dioxygenase 2; plus strand), TET2-AS1 (TET2 antisense RNA 1; minus strand). Cytogenetic location: 4q24.
Variant type: single nucleotide variant.
Coding change: c.782C>T on transcript NM_001127208.3 (MANE Select); coding-DNA position 782, C replaced by T.
Protein change: p.Ser261Phe; replaces serine 261 with phenylalanine.
Molecular consequence: missense variant.
Genome position (GRCh38, 1-based): chr4:105,234,724, C>T. VCF-style: chr4-105234724-C-T. GRCh37 (hg19) VCF-style: chr4-106155881-C-T.
Other names: c.782C>T, p.Ser261Phe (NM_017628.4); short protein forms S261F.
Identifiers: ClinVar variation 2108400 (VCV002108400.6), dbSNP rs751983181, ClinGen allele CA3031561.
Genomic context (GRCh38, chr4:105,234,724, plus strand): 5'-CGGTGCAGAAAACCACATCTCACATAAATGCCATTAACAGTCAGGCTACTAATGAGTTGT[C>T]CTGTGAGATCACTCACCCATCGCATACCTCAGGGCAGATCAATTCCGCACAGACCTCTAA-3'
Protein context (NP_001120680.1, residues 251-271): AINSQATNEL[Ser261Phe]CEITHPSHTS